The following is an entry in ClinVar:

NM_020041.3(SLC2A9):c.1302G>A (p.Pro434=)

Gene: SLC2A9 (solute carrier family 2 member 9; minus strand). Cytogenetic location: 4p16.1.
Variant type: single nucleotide variant.
Coding change: c.1302G>A on transcript NM_020041.3 (MANE Select); coding-DNA position 1302, G replaced by A.
Protein change: p.Pro434=; no amino-acid change (proline 434 retained).
Molecular consequence: synonymous variant.
Genome position (GRCh38, 1-based): chr4:9,834,998, C>T on the plus strand (G>A on the coding strand, the complement: SLC2A9 is on the minus strand). VCF-style: chr4-9834998-C-T. GRCh37 (hg19) VCF-style: chr4-9836622-C-T.
Other names: c.1215G>A, p.Pro405= (NM_001001290.2).
Identifiers: ClinVar variation 905316 (VCV000905316.36), dbSNP rs556085300, ClinGen allele CA2856892.
Genomic context (GRCh38, chr4:9,834,998, plus strand): 5'-TGCAATGATGAAGGCAGCCGGCCGCTGAGATTGCTGGAAGAACTCACCAGTCAAGATGAA[C>T]GGGATGCCACCTGCAGTGTGTGAGCCAGGACATGGAATTAATCACTCTGAGAAGGTCATG-3'
Protein context (NP_064425.2, residues 424-444): ASFCSGPGGI[Pro434=]FILTGEFFQQ

ClinVar aggregate classification (germline): Benign/Likely benign. Review status: criteria provided, multiple submitters, no conflicts (2 of 4 stars). 3 submissions from 3 submitters: Benign (1); Likely benign (2). Last evaluated 2025-06-12.

Conditions:
Hypouricemia, renal, 2. Also called: HYPOURICEMIA, RENAL, 2, AUTOSOMAL DOMINANT; HYPOURICEMIA, RENAL, 2, AUTOSOMAL RECESSIVE. Identifiers: MedGen C2677549, MONDO:0012793, OMIM 612076.

Allele frequency attached by ClinVar (database versions not stated): TOPMed 0.00002.
gnomAD v4.1: 36 of 1,613,394 alleles (0.0022%); highest among the groups gnomAD compares: East Asian, 0.027%; no homozygotes.

Submissions (3):

Labcorp Genetics (formerly Invitae), Labcorp
Classification: Likely benign. Last evaluated: 2025-06-12. Review status: criteria provided, single submitter. Criteria: Invitae Variant Classification Sherloc (09022015). Collection method: clinical testing. Allele origin: germline.

CeGaT Center for Human Genetics Tuebingen
Classification: Likely benign. Last evaluated: 2023-05-01. Review status: criteria provided, single submitter. Criteria: CeGaT Center For Human Genetics Tuebingen Variant Classification Criteria Version 2. Collection method: clinical testing. Allele origin: germline. Affected: yes. Observed: 1 variant allele.
Comment: SLC2A9: BP4, BP7

Illumina Laboratory Services, Illumina
Classification: Benign for Hypouricemia, renal, 2. Last evaluated: 2018-01-12. Review status: criteria provided, single submitter. Criteria: ICSL Variant Classification Criteria 13 December 2019. Collection method: clinical testing. Allele origin: germline.
Comment: This variant was observed in the ICSL laboratory as part of a predisposition screen in an ostensibly healthy population. It had not been previously curated by ICSL or reported in the Human Gene Mutation Database (HGMD: prior to June 1st, 2018), and was therefore a candidate for classification through an automated scoring system. Utilizing variant allele frequency, disease prevalence and penetrance estimates, and inheritance mode, an automated score was calculated to assess if this variant is too frequent to cause the disease. Based on the score and internal cut-off values, a variant classified as benign is not then subjected to further curation. The score for this variant resulted in a classification of benign for this disease.